The following is an entry in ClinVar:

NM_152564.5(VPS13B):c.664G>T (p.Glu222Ter)

Gene: VPS13B (vacuolar protein sorting 13 homolog B; plus strand). Cytogenetic location: 8q22.2.
Variant type: single nucleotide variant.
Coding change: c.664G>T on transcript NM_152564.5 (MANE Select); coding-DNA position 664, G replaced by T.
Protein change: p.Glu222Ter; replaces glutamic acid 222 with a stop codon.
Molecular consequence: nonsense. On other transcripts: non-coding transcript variant (1).
Genome position (GRCh38, 1-based): chr8:99,111,181, G>T. VCF-style: chr8-99111181-G-T. GRCh37 (hg19) VCF-style: chr8-100123409-G-T.
Other names: c.664G>T, p.Glu222Ter (NM_181661.3, NM_015243.3, NM_017890.5); short protein forms E222*.
Identifiers: ClinVar variation 1452155 (VCV001452155.6), dbSNP rs2132481787, ClinGen allele CA371860104.
Genomic context (GRCh38, chr8:99,111,181, plus strand): 5'-GTTATCAATTTTTCTGACTGTACAGTTTGTCTTGATAAACGGAATGCCAGTGGTAAAATA[G>T]AATTTTACCAGGATCCTTTATTATACAAATGTTCCTTCAGAACTCGTCTTCATTTTACAT-3'

ClinVar aggregate classification (germline): Pathogenic (1 of 4 stars; one submission).

Conditions:
Cohen syndrome (COH1). Also called: Cutis verticis gyrata, retinitis pigmentosa, and sensorineural deafness; PEPPER SYNDROME. Identifiers: Orphanet 193, MedGen C0265223, MONDO:0008999, OMIM 216550.

Allele frequency attached by ClinVar (database versions not stated): gnomAD exomes below 0.00001.
gnomAD v4.1: 1 of 1,599,012 alleles (0.000063%); highest among the groups gnomAD compares: Middle Eastern, 0.017%; no homozygotes.

Submission:

Labcorp Genetics (formerly Invitae), Labcorp
Classification: Pathogenic for Cohen syndrome. Last evaluated: 2021-07-28. Review status: criteria provided, single submitter. Criteria: Invitae Variant Classification Sherloc (09022015). Collection method: clinical testing. Allele origin: germline.
Comment: For these reasons, this variant has been classified as Pathogenic. This premature translational stop signal has been observed in individual(s) with Cohen syndrome (PMID: 22700954). It has also been observed to segregate with disease in related individuals. This variant is not present in population databases (ExAC no frequency). This sequence change creates a premature translational stop signal (p.Glu222*) in the VPS13B gene. It is expected to result in an absent or disrupted protein product. Loss-of-function variants in VPS13B are known to be pathogenic (PMID: 15141358, 16648375, 20461111).

Literature cited by the submitters: PubMed 22700954; PubMed 15141358; PubMed 16648375; PubMed 20461111.